The following is an entry in ClinVar:

NM_025114.4(CEP290):c.635_636insG (p.Asn212fs)

Gene: CEP290 (centrosomal protein 290; minus strand). Cytogenetic location: 12q21.32.
Variant type: Insertion.
Coding change: c.635_636insG on transcript NM_025114.4 (MANE Select); coding-DNA positions 635 to 636, G inserted.
Protein change: p.Asn212fs; shifts the reading frame from asparagine 212.
Molecular consequence: frameshift variant.
Genome position: GRCh38 VCF-style: chr12-88130301-G-GC. GRCh37 (hg19) VCF-style: chr12-88524078-G-GC.
Other names: short protein forms N212fs.
Identifiers: ClinVar variation 2943901 (VCV002943901.3), dbSNP rs2501497769, ClinGen allele CA2740092527.

ClinVar aggregate classification (germline): Pathogenic (1 of 4 stars; one submission).

Conditions:
Joubert syndrome. Also called: CEREBELLOPARENCHYMAL DISORDER IV; JOUBERT-BOLTSHAUSER SYNDROME; Familial aplasia of the vermis. Identifiers: Orphanet 475, MedGen C5979921, MONDO:0018772.
Nephronophthisis. Also called: Juvenile Nephronophthisis. Identifiers: Orphanet 655, MedGen C0687120, MONDO:0019005, HP:0000090.
Meckel-Gruber syndrome. Also called: DYSENCEPHALIA SPLANCHNOCYSTICA; GRUBER SYNDROME; Dysencephalia splachnocystica. Identifiers: Orphanet 564, MedGen C0265215, MONDO:0018921.

Submission:

Labcorp Genetics (formerly Invitae), Labcorp
Classification: Pathogenic for Joubert syndrome; Meckel-Gruber syndrome; Nephronophthisis. Last evaluated: 2023-02-15. Review status: criteria provided, single submitter. Criteria: Invitae Variant Classification Sherloc (09022015). Collection method: clinical testing. Allele origin: germline.
Comment: For these reasons, this variant has been classified as Pathogenic. This variant has not been reported in the literature in individuals affected with CEP290-related conditions. This variant is not present in population databases (gnomAD no frequency). This sequence change creates a premature translational stop signal (p.Asn212Lysfs*3) in the CEP290 gene. It is expected to result in an absent or disrupted protein product. Loss-of-function variants in CEP290 are known to be pathogenic (PMID: 16909394, 17345604, 20690115).

Literature cited by the submitters: PubMed 16909394; PubMed 17345604; PubMed 20690115.